The following is an entry in ClinVar:

NM_203290.4(POLR1C):c.883A>G (p.Lys295Glu)

Gene: POLR1C (RNA polymerase I and III subunit C; plus strand). Cytogenetic location: 6p21.1.
Variant type: single nucleotide variant.
Coding change: c.883A>G on transcript NM_203290.4 (MANE Select); coding-DNA position 883, A replaced by G.
Protein change: p.Lys295Glu; replaces lysine 295 with glutamic acid.
Molecular consequence: missense variant.
Genome position (GRCh38, 1-based): chr6:43,521,009, A>G. VCF-style: chr6-43521009-A-G. GRCh37 (hg19) VCF-style: chr6-43488747-A-G.
Other names: p.Lys295Glu; c.883A>G, p.Lys295Glu (NM_001318876.2, NM_001363658.2); short protein forms K295E.
Identifiers: ClinVar variation 2504618 (VCV002504618.2), dbSNP rs764550766, ClinGen allele CA3825609.

ClinVar aggregate classification (germline): Uncertain significance (1 of 4 stars; one submission).

Conditions:
Leukodystrophy, hypomyelinating, 11. Identifiers: Orphanet 88637, MedGen C4225305, MONDO:0014666, OMIM 616494.

Allele frequency attached by ClinVar (database versions not stated): ExAC 0.00001; gnomAD 0.00001.
gnomAD v4.1: 3 of 1,614,030 alleles (0.00019%); highest among the groups gnomAD compares: African/African-American, 0.0027%; no homozygotes.

Submission:

Foundation for Research in Genetics and Endocrinology, FRIGE's Institute of Human Genetics
Classification: Uncertain significance for Leukodystrophy, hypomyelinating, 11. Last evaluated: 2023-06-07. Review status: criteria provided, single submitter. Criteria: ACMG Guidelines, 2015. Collection method: clinical testing. Allele origin: germline. Inheritance: Autosomal recessive inheritance. Affected: yes. Observed: 1 heterozygote.
Comment: A Heterozygous missense variation in exon 8 of the POLR1C gene that results in the amino acid substitution Glutamic acid of Lysine at codon 295 was detected. The observed variant c.883A>G (p.Lys295Glu) has not been reported in the 1000 genomes and MAF of 0.0004% and 0.0006% in gnomAD (2.1) and gnomAD (3.1) database respectively. In summary, the variant meets our criteria to be classified as variant of uncertain significance.